The following is an entry in ClinVar:

ClinVar aggregate classification (germline): Conflicting classifications of pathogenicity. Review status: criteria provided, conflicting classifications (1 of 4 stars). 2 submissions from 2 submitters: Pathogenic (1); Uncertain significance (1). Last evaluated 2023-10-13.

Conditions:
MYBPC3-related disorder. Also called: MYBPC3-related disorders; MYBPC3-related condition; MYBPC3-related disease.

gnomAD v4.1: 4 of 1,610,654 alleles (0.00025%); highest among the groups gnomAD compares: Non-Finnish European, 0.000085%; no homozygotes.

Submissions (2):

Blueprint Genetics
Classification: Pathogenic for MYBPC3-related disorders. Last evaluated: 2023-10-13. Review status: criteria provided, single submitter. Criteria: ACMG Guidelines, 2015. Collection method: clinical testing. Allele origin: germline. Affected: yes. Observed: 5 variant alleles.

Women's Health and Genetics/Laboratory Corporation of America, LabCorp
Classification: Uncertain significance. Last evaluated: 2023-05-18. Review status: criteria provided, single submitter. Criteria: LabCorp Variant Classification Summary - May 2015. Collection method: clinical testing. Allele origin: germline.
Comment: Variant summary: MYBPC3 c.2557G>T (p.Gly853Cys) results in a non-conservative amino acid change located in the Fibronectin type III domain of the encoded protein sequence. Four of four in-silico tools predict a damaging effect of the variant on protein function. The variant allele was found at a frequency of 1.2e-05 in 245572 control chromosomes. The available data on variant occurrences in the general population are insufficient to allow any conclusion about variant significance. To our knowledge, no occurrence of c.2557G>T in individuals affected with Cardiomyopathy and no experimental evidence demonstrating its impact on protein function have been reported. No clinical diagnostic laboratories have submitted clinical-significance assessments for this variant to ClinVar after 2014. Based on the evidence outlined above, the variant was classified as uncertain significance.

NM_000256.3(MYBPC3):c.2557G>T (p.Gly853Cys)

Gene: MYBPC3 (myosin binding protein C3; minus strand). Cytogenetic location: 11p11.2.
Variant type: single nucleotide variant.
Coding change: c.2557G>T on transcript NM_000256.3 (MANE Select); coding-DNA position 2557, G replaced by T.
Protein change: p.Gly853Cys; replaces glycine 853 with cysteine.
Molecular consequence: missense variant.
Genome position (GRCh38, 1-based): chr11:47,337,436, C>A on the plus strand (G>T on the coding strand, the complement: MYBPC3 is on the minus strand). VCF-style: chr11-47337436-C-A. GRCh37 (hg19) VCF-style: chr11-47358987-C-A.
Other names: short protein forms G853C.
Identifiers: ClinVar variation 2506162 (VCV002506162.2), dbSNP rs397515976, ClinGen allele CA050572.